The following is an entry in ClinVar:

NM_014028.4(OSTM1):c.932A>C (p.Lys311Thr)

Gene: OSTM1 (osteoclastogenesis associated transmembrane protein 1; minus strand). Cytogenetic location: 6q21.
Variant type: single nucleotide variant.
Coding change: c.932A>C on transcript NM_014028.4 (MANE Select); coding-DNA position 932, A replaced by C.
Protein change: p.Lys311Thr; replaces lysine 311 with threonine.
Molecular consequence: missense variant.
Genome position (GRCh38, 1-based): chr6:108,049,270, T>G on the plus strand (A>C on the coding strand, the complement: OSTM1 is on the minus strand). VCF-style: chr6-108049270-T-G. GRCh37 (hg19) VCF-style: chr6-108370474-T-G.
Other names: c.932A>C (NM_014028.3); short protein forms K311T.
Identifiers: ClinVar variation 2077538 (VCV002077538.2), dbSNP rs1398805312, ClinGen allele CA365326926.

ClinVar aggregate classification (germline): Uncertain significance. Review status: criteria provided, multiple submitters, no conflicts (2 of 4 stars). 2 submissions from 2 submitters: Uncertain significance (2). Last evaluated 2024-08-12.

Conditions:
Inborn genetic diseases. Identifiers: MedGen C0950123, MeSH D030342.

Allele frequency attached by ClinVar (database versions not stated): TOPMed below 0.00001; gnomAD exomes 0.00001.
gnomAD v4.1: 5 of 1,612,056 alleles (0.00031%); highest among the groups gnomAD compares: Non-Finnish European, 0.00042%; no homozygotes.

Submissions (2):

Ambry Genetics
Classification: Uncertain significance for Inborn genetic diseases. Last evaluated: 2024-08-12. Review status: criteria provided, single submitter. Criteria: Ambry Variant Classification Scheme 2023. Collection method: clinical testing. Allele origin: germline.

Labcorp Genetics (formerly Invitae), Labcorp
Classification: Uncertain significance. Last evaluated: 2022-01-07. Review status: criteria provided, single submitter. Criteria: Invitae Variant Classification Sherloc (09022015). Collection method: clinical testing. Allele origin: germline.
Comment: This sequence change replaces lysine, which is basic and polar, with threonine, which is neutral and polar, at codon 311 of the OSTM1 protein (p.Lys311Thr). This variant is present in population databases (no rsID available, gnomAD 0.0009%). This variant has not been reported in the literature in individuals affected with OSTM1-related conditions. Algorithms developed to predict the effect of missense changes on protein structure and function are either unavailable or do not agree on the potential impact of this missense change (SIFT: "Tolerated"; PolyPhen-2: "Probably Damaging"; Align-GVGD: "Class C0"). In summary, the available evidence is currently insufficient to determine the role of this variant in disease. Therefore, it has been classified as a Variant of Uncertain Significance.